The following is an entry in ClinVar:

NM_000744.7(CHRNA4):c.1589A>C (p.Lys530Thr)

Gene: CHRNA4 (cholinergic receptor nicotinic alpha 4 subunit; minus strand). Cytogenetic location: 20q13.33.
Variant type: single nucleotide variant.
Coding change: c.1589A>C on transcript NM_000744.7 (MANE Select); coding-DNA position 1589, A replaced by C.
Protein change: p.Lys530Thr; replaces lysine 530 with threonine.
Molecular consequence: missense variant. On other transcripts: non-coding transcript variant (1).
Genome position (GRCh38, 1-based): chr20:63,349,822, T>G on the plus strand (A>C on the coding strand, the complement: CHRNA4 is on the minus strand). VCF-style: chr20-63349822-T-G. GRCh37 (hg19) VCF-style: chr20-61981174-T-G.
Other names: c.1061A>C, p.Lys354Thr (NM_001256573.2); short protein forms K354T, K530T.
Identifiers: ClinVar variation 1449383 (VCV001449383.8), dbSNP rs2123470034, ClinGen allele CA409632813.

ClinVar aggregate classification (germline): Uncertain significance (1 of 4 stars; one submission).

Conditions:
Familial sleep-related hypermotor epilepsy. Also called: Autosomal Dominant Sleep-Related Hypermotor (Hyperkinetic) Epilepsy. Identifiers: Orphanet 98784, MedGen C3696898, MONDO:0000030.

Submission:

Labcorp Genetics (formerly Invitae), Labcorp
Classification: Uncertain significance. Last evaluated: 2021-07-18. Review status: criteria provided, single submitter. Criteria: Invitae Variant Classification Sherloc (09022015). Collection method: clinical testing. Allele origin: germline.
Comment: This sequence change replaces lysine with threonine at codon 530 of the CHRNA4 protein (p.Lys530Thr). The lysine residue is moderately conserved and there is a moderate physicochemical difference between lysine and threonine. This variant is not present in population databases (ExAC no frequency). This variant has not been reported in the literature in individuals affected with CHRNA4-related conditions. Algorithms developed to predict the effect of missense changes on protein structure and function (SIFT, PolyPhen-2, Align-GVGD) all suggest that this variant is likely to be tolerated. In summary, the available evidence is currently insufficient to determine the role of this variant in disease. Therefore, it has been classified as a Variant of Uncertain Significance.